The following is an entry in ClinVar:

NM_005883.3(APC2):c.4892G>A (p.Arg1631Gln)

Gene: APC2 (APC regulator of WNT signaling pathway 2; plus strand). Cytogenetic location: 19p13.3.
Variant type: single nucleotide variant.
Coding change: c.4892G>A on transcript NM_005883.3 (MANE Select); coding-DNA position 4892, G replaced by A.
Protein change: p.Arg1631Gln; replaces arginine 1631 with glutamine.
Molecular consequence: missense variant.
Genome position (GRCh38, 1-based): chr19:1,468,193, G>A. VCF-style: chr19-1468193-G-A. GRCh37 (hg19) VCF-style: chr19-1468192-G-A.
Other names: c.4889G>A, p.Arg1630Gln (NM_001351273.1); short protein forms R1630Q, R1631Q.
Identifiers: ClinVar variation 2058099 (VCV002058099.1), dbSNP rs537177602, ClinGen allele CA304080945.
Genomic context (GRCh38, chr19:1,468,193, plus strand): 5'-GCCCAGGAGGCGGACGCGACAGCTCGCCCAGCCCGCGGGCCGCGGAGGAGCTTCTGCAGC[G>A]GTGCATCAGCTCGGCCCTGCCCAGGCGCCGGCCCCCCGTGTCTGGCCTGCGGCGCCGCAA-3'
Protein context (NP_005874.1, residues 1621-1641): SPRAAEELLQ[Arg1631Gln]CISSALPRRR

ClinVar aggregate classification (germline): Uncertain significance (1 of 4 stars; one submission).

Allele frequency attached by ClinVar (database versions not stated): gnomAD 0.00030; TOPMed 0.00037; 1000 Genomes Project 0.00040; 1000 Genomes Project 30x 0.00047.

Submission:

Labcorp Genetics (formerly Invitae), Labcorp
Classification: Uncertain significance. Last evaluated: 2022-08-10. Review status: criteria provided, single submitter. Criteria: Invitae Variant Classification Sherloc (09022015). Collection method: clinical testing. Allele origin: germline.
Comment: This sequence change replaces arginine, which is basic and polar, with glutamine, which is neutral and polar, at codon 1631 of the APC2 protein (p.Arg1631Gln). This variant is present in population databases (rs537177602, gnomAD 0.08%). This variant has not been reported in the literature in individuals affected with APC2-related conditions. Algorithms developed to predict the effect of missense changes on protein structure and function are either unavailable or do not agree on the potential impact of this missense change (SIFT: "Deleterious"; PolyPhen-2: "Possibly Damaging"; Align-GVGD: "Class C0"). In summary, the available evidence is currently insufficient to determine the role of this variant in disease. Therefore, it has been classified as a Variant of Uncertain Significance.